The following is an entry in ClinVar:

ClinVar aggregate classification (germline): Uncertain significance. Review status: criteria provided, multiple submitters, no conflicts (2 of 4 stars). 2 submissions from 2 submitters: Uncertain significance (2). Last evaluated 2025-05-05.

Allele frequency attached by ClinVar (database versions not stated): TOPMed 0.00002; gnomAD 0.00003; ExAC 0.00002.
gnomAD v4.1: 23 of 1,614,062 alleles (0.0014%); highest among the groups gnomAD compares: Admixed American, 0.005%; no homozygotes.

Submissions (2):

Labcorp Genetics (formerly Invitae), Labcorp
Classification: Uncertain significance. Last evaluated: 2025-05-05. Review status: criteria provided, single submitter. Criteria: Invitae Variant Classification Sherloc (09022015). Collection method: clinical testing. Allele origin: germline.
Comment: This sequence change replaces arginine, which is basic and polar, with histidine, which is basic and polar, at codon 723 of the KANK1 protein (p.Arg723His). This variant is present in population databases (rs200662387, gnomAD 0.004%). This variant has not been reported in the literature in individuals affected with KANK1-related conditions. ClinVar contains an entry for this variant (Variation ID: 3112587). Invitae Evidence Modeling of protein sequence and biophysical properties (such as structural, functional, and spatial information, amino acid conservation, physicochemical variation, residue mobility, and thermodynamic stability) indicates that this missense variant is expected to disrupt KANK1 protein function with a positive predictive value of 80%. In summary, the available evidence is currently insufficient to determine the role of this variant in disease. Therefore, it has been classified as a Variant of Uncertain Significance.

Ambry Genetics
Classification: Uncertain significance. Last evaluated: 2023-12-18. Review status: criteria provided, single submitter. Criteria: Ambry Variant Classification Scheme 2023. Collection method: clinical testing. Allele origin: germline.

NM_015158.5(KANK1):c.2168G>A (p.Arg723His)

Gene: KANK1 (KN motif and ankyrin repeat domains 1; plus strand). Cytogenetic location: 9p24.3.
Variant type: single nucleotide variant.
Coding change: c.2168G>A on transcript NM_015158.5 (MANE Select); coding-DNA position 2168, G replaced by A.
Protein change: p.Arg723His; replaces arginine 723 with histidine.
Molecular consequence: missense variant. On other transcripts: non-coding transcript variant (1).
Genome position (GRCh38, 1-based): chr9:712,934, G>A. VCF-style: chr9-712934-G-A. GRCh37 (hg19) VCF-style: chr9-712934-G-A.
Other names: c.2168G>A, p.Arg723His (NM_001256876.3, NM_001256877.3, NM_001354331.2 and 2 more transcripts); c.1694G>A, p.Arg565His (NM_001354333.2, NM_001354335.2, NM_001354336.2 and 9 more transcripts); short protein forms R723H, R565H.
Identifiers: ClinVar variation 3112587 (VCV003112587.3), dbSNP rs200662387, ClinGen allele CA4960444.